The following is an entry in ClinVar:

ClinVar aggregate classification (germline): Uncertain significance (1 of 4 stars; one submission).

Submission:

Labcorp Genetics (formerly Invitae), Labcorp
Classification: Uncertain significance. Last evaluated: 2024-01-17. Review status: criteria provided, single submitter. Criteria: Invitae Variant Classification Sherloc (09022015). Collection method: clinical testing. Allele origin: germline.
Comment: This sequence change replaces arginine, which is basic and polar, with lysine, which is basic and polar, at codon 174 of the CACNA2D4 protein (p.Arg174Lys). This variant is not present in population databases (gnomAD no frequency). This variant has not been reported in the literature in individuals affected with CACNA2D4-related conditions. ClinVar contains an entry for this variant (Variation ID: 2106345). Algorithms developed to predict the effect of missense changes on protein structure and function output the following: SIFT: "Not Available"; PolyPhen-2: "Benign"; Align-GVGD: "Not Available". The lysine amino acid residue is found in multiple mammalian species, which suggests that this missense change does not adversely affect protein function. In summary, the available evidence is currently insufficient to determine the role of this variant in disease. Therefore, it has been classified as a Variant of Uncertain Significance.

NM_172364.5(CACNA2D4):c.521G>A (p.Arg174Lys)

Gene: CACNA2D4 (calcium voltage-gated channel auxiliary subunit alpha2delta 4; minus strand). Cytogenetic location: 12p13.33.
Variant type: single nucleotide variant.
Coding change: c.521G>A on transcript NM_172364.5 (MANE Select); coding-DNA position 521, G replaced by A.
Protein change: p.Arg174Lys; replaces arginine 174 with lysine.
Molecular consequence: missense variant.
Genome position (GRCh38, 1-based): chr12:1,908,003, C>T on the plus strand (G>A on the coding strand, the complement: CACNA2D4 is on the minus strand). VCF-style: chr12-1908003-C-T. GRCh37 (hg19) VCF-style: chr12-2017169-C-T.
Other names: short protein forms R174K.
Identifiers: ClinVar variation 2106345 (VCV002106345.4), dbSNP rs2497330856, ClinGen allele CA383364555.
Genomic context (GRCh38, chr12:1,908,003, plus strand): 5'-TGAGCATTGGACTCCAGGAGGAACTCGGCGCCCAGCTCCACGAAGTTGCCCTTCTCGTCC[C>T]TCTCGTTGATCAGGACCGAGTTGTAATAGTCGAACTGGGGTGGACGGGTGAGGCCCACGG-3'
Protein context (NP_758952.4, residues 164-184): DYYNSVLINE[Arg174Lys]DEKGNFVELG